The following is an entry in ClinVar:

ClinVar aggregate classification (germline): Uncertain significance (1 of 4 stars; one submission).

Allele frequency attached by ClinVar (database versions not stated): ExAC 0.00004; TOPMed 0.00004; gnomAD exomes 0.00008.
gnomAD v4.1: 112 of 1,613,396 alleles (0.0069%); highest among the groups gnomAD compares: Non-Finnish European, 0.0088%; 1 homozygote.

Submission:

Labcorp Genetics (formerly Invitae), Labcorp
Classification: Uncertain significance. Last evaluated: 2023-09-21. Review status: criteria provided, single submitter. Criteria: Invitae Variant Classification Sherloc (09022015). Collection method: clinical testing. Allele origin: germline.
Comment: In summary, the available evidence is currently insufficient to determine the role of this variant in disease. Therefore, it has been classified as a Variant of Uncertain Significance. Experimental studies and prediction algorithms are not available or were not evaluated, and the functional significance of this variant is currently unknown. ClinVar contains an entry for this variant (Variation ID: 1955127). This variant has not been reported in the literature in individuals affected with PCLO-related conditions. This variant is present in population databases (rs751477348, gnomAD 0.009%). This sequence change replaces cysteine, which is neutral and slightly polar, with phenylalanine, which is neutral and non-polar, at codon 1325 of the PCLO protein (p.Cys1325Phe).

NM_033026.6(PCLO):c.3974G>T (p.Cys1325Phe)

Gene: PCLO (piccolo presynaptic cytomatrix protein; minus strand). Cytogenetic location: 7q21.11.
Variant type: single nucleotide variant.
Coding change: c.3974G>T on transcript NM_033026.6 (MANE Select); coding-DNA position 3974, G replaced by T.
Protein change: p.Cys1325Phe; replaces cysteine 1325 with phenylalanine.
Molecular consequence: missense variant.
Genome position (GRCh38, 1-based): chr7:82,965,814, C>A on the plus strand (G>T on the coding strand, the complement: PCLO is on the minus strand). VCF-style: chr7-82965814-C-A. GRCh37 (hg19) VCF-style: chr7-82595130-C-A.
Other names: c.3974G>T, p.Cys1325Phe (NM_014510.3); short protein forms C1325F.
Identifiers: ClinVar variation 1955127 (VCV001955127.3), dbSNP rs751477348, ClinGen allele CA4320917.